The following is an entry in ClinVar:

ClinVar aggregate classification (germline): Uncertain significance (1 of 4 stars; one submission).

Conditions:
Glycogen storage disease, type II (IOPD). Also called: Glucosidase acid-1,4-alpha deficiency; Deficiency of lysosomal alpha-glucosidase; Glycogen storage disease type 2; Acid maltase deficiency disease; Aglucosidase alfa; Deficiency of alpha-glucosidase. Identifiers: Orphanet 365, MedGen C0017921, MONDO:0009290, OMIM 232300.

Allele frequency attached by ClinVar (database versions not stated): gnomAD exomes below 0.00001.

Submission:

Labcorp Genetics (formerly Invitae), Labcorp
Classification: Uncertain significance for Glycogen storage disease, type II. Last evaluated: 2021-09-17. Review status: criteria provided, single submitter. Criteria: Invitae Variant Classification Sherloc (09022015). Collection method: clinical testing. Allele origin: germline.
Comment: This sequence change replaces proline with serine at codon 345 of the GAA protein (p.Pro345Ser). The proline residue is highly conserved and there is a moderate physicochemical difference between proline and serine. This variant is not present in population databases (ExAC no frequency). This variant has not been reported in the literature in individuals with GAA-related conditions. Algorithms developed to predict the effect of missense changes on protein structure and function are either unavailable or do not agree on the potential impact of this missense change (SIFT: "Deleterious"; PolyPhen-2: "Probably Damaging"; Align-GVGD: "Class C0"). In summary, the available evidence is currently insufficient to determine the role of this variant in disease. Therefore, it has been classified as a Variant of Uncertain Significance.

NM_000152.5(GAA):c.1033C>T (p.Pro345Ser)

Gene: GAA (alpha glucosidase; plus strand). Cytogenetic location: 17q25.3.
Variant type: single nucleotide variant.
Coding change: c.1033C>T on transcript NM_000152.5 (MANE Select); coding-DNA position 1033, C replaced by T.
Protein change: p.Pro345Ser; replaces proline 345 with serine.
Molecular consequence: missense variant.
Genome position (GRCh38, 1-based): chr17:80,108,367, C>T. VCF-style: chr17-80108367-C-T. GRCh37 (hg19) VCF-style: chr17-78082166-C-T.
Other names: c.1033C>T, p.Pro345Ser (NM_001079803.3, NM_001079804.3, NM_001406741.1 and 1 more transcripts); short protein forms P345S.
Identifiers: ClinVar variation 2153114 (VCV002153114.1), dbSNP rs2510362319, ClinGen allele CA401364661.